The following is an entry in ClinVar:

ClinVar aggregate classification (germline): Uncertain significance (1 of 4 stars; one submission).

Conditions:
Hereditary nonpolyposis colorectal neoplasms. Identifiers: MedGen C0009405, MeSH D003123.

Submission:

Labcorp Genetics (formerly Invitae), Labcorp
Classification: Uncertain significance for Hereditary nonpolyposis colorectal neoplasms. Last evaluated: 2021-04-16. Review status: criteria provided, single submitter. Criteria: Invitae Variant Classification Sherloc (09022015). Collection method: clinical testing. Allele origin: germline.
Comment: In summary, the available evidence is currently insufficient to determine the role of this variant in disease. Therefore, it has been classified as a Variant of Uncertain Significance. This sequence change replaces glutamic acid with aspartic acid at codon 675 of the PMS2 protein (p.Glu675Asp). The glutamic acid residue is weakly conserved and there is a small physicochemical difference between glutamic acid and aspartic acid. The frequency data for this variant in the population databases (ExAC) is considered unreliable due to the presence of homologous sequence, such as pseudogenes or paralogs, in the genome. This variant has not been reported in the literature in individuals with PMS2-related conditions. Advanced modeling of protein sequence and biophysical properties (such as structural, functional, and spatial information, amino acid conservation, physicochemical variation, residue mobility, and thermodynamic stability) performed at Invitae indicates that this missense variant is not expected to disrupt PMS2 protein function.

NM_000535.7(PMS2):c.2025A>C (p.Glu675Asp)

Gene: PMS2 (PMS1 homolog 2, mismatch repair system component; minus strand). Cytogenetic location: 7p22.1.
Variant type: single nucleotide variant.
Coding change: c.2025A>C on transcript NM_000535.7 (MANE Select); coding-DNA position 2025, A replaced by C.
Protein change: p.Glu675Asp; replaces glutamic acid 675 with aspartic acid.
Molecular consequence: missense variant. On other transcripts: non-coding transcript variant (1).
Genome position (GRCh38, 1-based): chr7:5,982,973, T>G on the plus strand (A>C on the coding strand, the complement: PMS2 is on the minus strand). VCF-style: chr7-5982973-T-G. GRCh37 (hg19) VCF-style: chr7-6022604-T-G.
Other names: c.1620A>C, p.Glu540Asp (NM_001322003.2, NM_001322004.2, NM_001322005.2 and 1 more transcripts); c.1869A>C, p.Glu623Asp (NM_001322006.2); c.1707A>C, p.Glu569Asp (NM_001322007.2, NM_001322008.2); c.1464A>C, p.Glu488Asp (NM_001322010.2); c.1092A>C, p.Glu364Asp (NM_001322011.2, NM_001322012.2); c.1452A>C, p.Glu484Asp (NM_001322013.2); c.2025A>C, p.Glu675Asp (NM_001322014.2); c.1716A>C, p.Glu572Asp (NM_001322015.2); short protein forms E484D, E572D, E488D, E540D, E675D, E364D, E569D, E623D.
Identifiers: ClinVar variation 1387974 (VCV001387974.8), dbSNP rs1057522947, ClinGen allele CA366738160.
Genomic context (GRCh38, chr7:5,982,973, plus strand): 5'-GATATCCTCATTCAGTTTGGTTATTATAAATCCCAGGTTAAACTGACCAATGATTTCCAT[T>G]TCTGCAAACATCGTTTTACTGCAGGTAGAAAATGTTAATTATCAGACATTTTACAAGATT-3'
Protein context (NP_000526.2, residues 665-685): RKEISKTMFA[Glu675Asp]MEIIGQFNLG